The following is an entry in ClinVar:

ClinVar aggregate classification (germline): Uncertain significance (1 of 4 stars; one submission).

Conditions:
Cornelia de Lange syndrome 1 (CDLS1). Also called: Brachmann de Lange syndrome; NIPBL-Related Cornelia de Lange Syndrome; TYPUS DEGENERATIVUS AMSTELODAMENSIS. Identifiers: Orphanet 199, MedGen C4551851, MONDO:0007387, OMIM 122470.

gnomAD v4.1: 1 of 1,597,166 alleles (0.000063%); highest among the groups gnomAD compares: East Asian, 0.0022%; no homozygotes.

Submission:

Labcorp Genetics (formerly Invitae), Labcorp
Classification: Uncertain significance for Cornelia de Lange syndrome 1. Last evaluated: 2024-05-07. Review status: criteria provided, single submitter. Criteria: Invitae Variant Classification Sherloc (09022015). Collection method: clinical testing. Allele origin: germline.
Comment: This sequence change replaces asparagine, which is neutral and polar, with serine, which is neutral and polar, at codon 2224 of the NIPBL protein (p.Asn2224Ser). This variant is present in population databases (no rsID available, gnomAD 0.006%). This variant has not been reported in the literature in individuals affected with NIPBL-related conditions. Advanced modeling of protein sequence and biophysical properties (such as structural, functional, and spatial information, amino acid conservation, physicochemical variation, residue mobility, and thermodynamic stability) performed at Invitae indicates that this missense variant is not expected to disrupt NIPBL protein function with a negative predictive value of 95%. In summary, the available evidence is currently insufficient to determine the role of this variant in disease. Therefore, it has been classified as a Variant of Uncertain Significance.

NM_133433.4(NIPBL):c.6671A>G (p.Asn2224Ser)

Gene: NIPBL (NIPBL cohesin loading factor; plus strand). Cytogenetic location: 5p13.2.
Variant type: single nucleotide variant.
Coding change: c.6671A>G on transcript NM_133433.4 (MANE Select); coding-DNA position 6671, A replaced by G.
Protein change: p.Asn2224Ser; replaces asparagine 2224 with serine.
Molecular consequence: missense variant.
Genome position (GRCh38, 1-based): chr5:37,048,583, A>G. VCF-style: chr5-37048583-A-G. GRCh37 (hg19) VCF-style: chr5-37048685-A-G.
Other names: c.6671A>G, p.Asn2224Ser (NM_015384.5); short protein forms N2224S.
Identifiers: ClinVar variation 3635358 (VCV003635358.2).
Genomic context (GRCh38, chr5:37,048,583, plus strand): 5'-CAAGTCTAATGTTCGAGCAAGAAGTGAAGAATCTATATAATAATATTTTATCTGATAAGA[A>G]CTCCTCAGTCAATTTAAAAATACAAGTGTTAAAAAACCTCCAGACCTACCTACAAGAAGA-3'
Protein context (NP_597677.2, residues 2214-2234): NLYNNILSDK[Asn2224Ser]SSVNLKIQVL